The following is an entry in ClinVar:

NM_004004.6(GJB2):c.42C>G (p.Asn14Lys)

Gene: GJB2 (gap junction protein beta 2; minus strand). Cytogenetic location: 13q12.11.
Variant type: single nucleotide variant.
Coding change: c.42C>G on transcript NM_004004.6 (MANE Select); coding-DNA position 42, C replaced by G.
Protein change: p.Asn14Lys; replaces asparagine 14 with lysine.
Molecular consequence: missense variant.
Genome position (GRCh38, 1-based): chr13:20,189,540, G>C on the plus strand (C>G on the coding strand, the complement: GJB2 is on the minus strand). VCF-style: chr13-20189540-G-C. GRCh37 (hg19) VCF-style: chr13-20763679-G-C.
Other names: short protein forms N14K.
Identifiers: ClinVar variation 4815293 (VCV004815293.1).

ClinVar aggregate classification (germline): Likely pathogenic (1 of 4 stars; one submission).

Conditions:
Autosomal recessive nonsyndromic hearing loss 1A (DFNB1A). Also called: GJB6-Related DFNB 1 Nonsyndromic Hearing Loss and Deafness; Deafness, autosomal recessive 1A; GJB2-Related Autosomal Recessive Nonsyndromic Hearing Loss; Nonsyndromic Hearing Loss and Deafness, DFNB1; Connexin 26 deafness; Deafness nonsyndromic, Connexin 26 linked. Identifiers: Orphanet 90636, MedGen C2673759, MONDO:0009076, OMIM 220290.

Submission:

Natera, Inc.
Classification: Likely pathogenic for Autosomal recessive deafness type 1A. Last evaluated: 2025-07-17. Review status: criteria provided, single submitter. Criteria: Natera Variant Classification Schema (03/2026). Collection method: clinical testing. Allele origin: germline.
Comment: The c.42C>G variant in GJB2 is a missense variant predicted to cause substitution of asparagine to lysine at amino acid 14. This variant is rare in the general population with a frequency below the threshold expected for the associated phenotype(s). This variant has been observed in affected individual(s) with monoallelic occurrence (heterozygous/hemizygous) (PMID: 18950394, 15245427, 30816995). This variant has been confirmed as or assumed to be a de novo occurrence in one or more affected individuals (PMID: 18950394, 15245427). A different variant at the same position has been determined to be Pathogenic or Likely Pathogenic. Computational prediction algorithms indicate this variant is likely to affect gene or protein function. Given the available evidence, this variant is classified as Likely Pathogenic.

Literature cited by the submitters: PubMed 18950394; PubMed 15245427; PubMed 30816995.